The following is an entry in ClinVar:

NM_152703.5(SAMD9L):c.850A>G (p.Ile284Val)

Gene: SAMD9L (sterile alpha motif domain containing 9 like; minus strand). Cytogenetic location: 7q21.2.
Variant type: single nucleotide variant.
Coding change: c.850A>G on transcript NM_152703.5 (MANE Select); coding-DNA position 850, A replaced by G.
Protein change: p.Ile284Val; replaces isoleucine 284 with valine.
Molecular consequence: missense variant.
Genome position (GRCh38, 1-based): chr7:93,135,122, T>C on the plus strand (A>G on the coding strand, the complement: SAMD9L is on the minus strand). VCF-style: chr7-93135122-T-C. GRCh37 (hg19) VCF-style: chr7-92764435-T-C.
Other names: c.850A>G, p.Ile284Val (NM_001303496.3, NM_001303497.3, NM_001303498.3 and 5 more transcripts); short protein forms I284V.
Identifiers: ClinVar variation 4159342 (VCV004159342.1).

ClinVar aggregate classification (germline): Uncertain significance (1 of 4 stars; one submission).

Conditions:
Inborn genetic diseases. Identifiers: MedGen C0950123, MeSH D030342.

gnomAD v4.1: 1 of 1,612,696 alleles (0.000062%); highest among the groups gnomAD compares: African/African-American, 0.0013%; no homozygotes.

Submission:

Ambry Genetics
Classification: Uncertain significance for Inborn genetic diseases. Last evaluated: 2025-07-18. Review status: criteria provided, single submitter. Criteria: Ambry Variant Classification Scheme 2023. Collection method: clinical testing. Allele origin: germline.
Comment: The p.I284V variant (also known as c.850A>G), located in coding exon 1 of the SAMD9L gene, results from an A to G substitution at nucleotide position 850. The isoleucine at codon 284 is replaced by valine, an amino acid with highly similar properties. This amino acid position is conserved. In addition, this alteration is predicted to be tolerated by in silico analysis. Based on the available evidence, the clinical significance of this variant remains unclear.